The following is an entry in ClinVar:

NM_182961.4(SYNE1):c.509G>T (p.Arg170Leu)

Gene: SYNE1 (spectrin repeat containing nuclear envelope protein 1; minus strand). Cytogenetic location: 6q25.2.
Variant type: single nucleotide variant.
Coding change: c.509G>T on transcript NM_182961.4 (MANE Select); coding-DNA position 509, G replaced by T.
Protein change: p.Arg170Leu; replaces arginine 170 with leucine.
Molecular consequence: missense variant.
Genome position (GRCh38, 1-based): chr6:152,510,265, C>A on the plus strand (G>T on the coding strand, the complement: SYNE1 is on the minus strand). VCF-style: chr6-152510265-C-A. GRCh37 (hg19) VCF-style: chr6-152831400-C-A.
Other names: c.530G>T, p.Arg177Leu (NM_033071.5); short protein forms R177L, R170L.
Identifiers: ClinVar variation 1407303 (VCV001407303.6), dbSNP rs779239788, ClinGen allele CA366150527.
Genomic context (GRCh38, chr6:152,510,265, plus strand): 5'-TACTGAACCCACTTTAATAAAGCCTTCTTAGCATTTCCTTGGATCTTGGTGGTCACCTTC[C>A]GTTTACTTGGTGGGCTGGGAGTCTCAGAGCTAACTATGCTGTCCACGGAGGATGCGCTGC-3'
Protein context (NP_892006.3, residues 160-180): SSETPSPPSK[Arg170Leu]KVTTKIQGNA

ClinVar aggregate classification (germline): Uncertain significance (1 of 4 stars; one submission).

Conditions:
Emery-Dreifuss muscular dystrophy 4, autosomal dominant (EDMD4). Also called: EMERY-DREIFUSS MUSCULAR DYSTROPHY 4 WITH VARIABLE FEATURES. Identifiers: Orphanet 261, MedGen C2751807, MONDO:0013071, OMIM 612998.
Autosomal recessive ataxia, Beauce type. Also called: SYNE1-Related Autosomal Recessive Cerebellar Ataxia; Spinocerebellar ataxia, autosomal recessive 8; ATAXIA, RECESSIVE, OF BEAUCE; SYNE1 Deficiency. Identifiers: Orphanet 88644, MedGen C1853116, MONDO:0012549, OMIM 610743.

Submission:

Labcorp Genetics (formerly Invitae), Labcorp
Classification: Uncertain significance for Emery-Dreifuss muscular dystrophy 4, autosomal dominant; Autosomal recessive ataxia, Beauce type. Last evaluated: 2021-08-23. Review status: criteria provided, single submitter. Criteria: Invitae Variant Classification Sherloc (09022015). Collection method: clinical testing. Allele origin: germline.
Comment: This sequence change replaces arginine with leucine at codon 177 of the SYNE1 protein (p.Arg177Leu). The arginine residue is highly conserved and there is a moderate physicochemical difference between arginine and leucine. This variant is not present in population databases (ExAC no frequency). This variant has not been reported in the literature in individuals affected with SYNE1-related conditions. Algorithms developed to predict the effect of missense changes on protein structure and function are either unavailable or do not agree on the potential impact of this missense change (SIFT: "Deleterious"; PolyPhen-2: "Probably Damaging"; Align-GVGD: "Class C0"). In summary, the available evidence is currently insufficient to determine the role of this variant in disease. Therefore, it has been classified as a Variant of Uncertain Significance.